The following is an entry in ClinVar:

NM_031857.2(PCDHA9):c.1614C>G (p.Arg538=)

Genes: PCDHA1 (protocadherin alpha 1; plus strand), PCDHA2 (protocadherin alpha 2; plus strand), PCDHA3 (protocadherin alpha 3; plus strand), PCDHA4 (protocadherin alpha 4; plus strand), PCDHA5 (protocadherin alpha 5; plus strand) and 5 more. Cytogenetic location: 5q31.3.
Variant type: single nucleotide variant.
Coding change: c.1614C>G on transcript NM_031857.2 (MANE Select); coding-DNA position 1614, C replaced by G.
Protein change: p.Arg538=; no amino-acid change (arginine 538 retained).
Molecular consequence: synonymous variant. On other transcripts: intron variant (10).
Genome position (GRCh38, 1-based): chr5:140,850,109, C>G. VCF-style: chr5-140850109-C-G. GRCh37 (hg19) VCF-style: chr5-140229694-C-G.
Other names: c.1614C>G, p.Arg538= (NM_014005.5); c.2394+61425C>G (NM_018900.4); c.1602+62217C>G (NM_031411.3); c.2388+52757C>G (NM_018905.3); c.2394+46518C>G (NM_018906.3); c.2385+40537C>G (NM_018907.4); c.2352+25982C>G (NM_018908.3); c.2394+19624C>G (NM_018909.4); and 3 more.
Identifiers: ClinVar variation 3056215 (VCV003056215.2), dbSNP rs577800925, ClinGen allele CA3450539.

ClinVar aggregate classification (germline): Likely benign (0 of 4 stars; one submission).

Conditions:
PCDHA9-related disorder. Also called: PCDHA9-related condition.

Allele frequency attached by ClinVar (database versions not stated): gnomAD exomes 0.00010; 1000 Genomes Project 30x 0.00016; TOPMed 0.00002; gnomAD 0.00024.
gnomAD v4.1: 170 of 1,596,054 alleles (0.011%); highest among the groups gnomAD compares: Non-Finnish European, 0.0026%; 9 homozygotes.

Submission:

PreventionGenetics, part of Exact Sciences
Classification: Likely benign for PCDHA9-related condition. Last evaluated: 2021-05-10. Review status: no assertion criteria provided. Collection method: clinical testing. Allele origin: germline.
Comment: This variant is classified as likely benign based on ACMG/AMP sequence variant interpretation guidelines (Richards et al. 2015 PMID: 25741868, with internal and published modifications).